The following is an entry in ClinVar:

ClinVar aggregate classification (germline): Uncertain significance (1 of 4 stars; one submission).

Submission:

GeneDx
Classification: Uncertain significance. Last evaluated: 2024-04-25. Review status: criteria provided, single submitter. Criteria: GeneDx Variant Classification Process June 2021. Collection method: clinical testing. Allele origin: germline. Affected: yes.
Comment: Not observed at significant frequency in large population cohorts (gnomAD); In silico analysis supports that this missense variant has a deleterious effect on protein structure/function; Has not been previously published as pathogenic or benign to our knowledge

NM_015176.4(FBXO28):c.638A>G (p.Glu213Gly)

Gene: FBXO28 (F-box protein 28; plus strand). Cytogenetic location: 1q42.11.
Variant type: single nucleotide variant.
Coding change: c.638A>G on transcript NM_015176.4 (MANE Select); coding-DNA position 638, A replaced by G.
Protein change: p.Glu213Gly; replaces glutamic acid 213 with glycine.
Molecular consequence: missense variant. On other transcripts: non-coding transcript variant (1), intron variant (1).
Genome position (GRCh38, 1-based): chr1:224,153,263, A>G. VCF-style: chr1-224153263-A-G. GRCh37 (hg19) VCF-style: chr1-224340965-A-G.
Other names: c.517-4089A>G (NM_001136115.3); short protein forms E213G.
Identifiers: ClinVar variation 3373034 (VCV003373034.1).